The following is an entry in ClinVar:

ClinVar aggregate classification (germline): Benign (1 of 4 stars; one submission).

Allele frequency attached by ClinVar (database versions not stated): gnomAD 0.03516 and 0.03745; TOPMed 0.04260; 1000 Genomes Project 0.05511; 1000 Genomes Project 30x 0.05512.
gnomAD v4.1: 5,719 of 152,336 alleles (3.8%); highest among the groups gnomAD compares: Admixed American, 12%; 219 homozygotes.

Submission:

GeneDx
Classification: Benign. Last evaluated: 2018-06-14. Review status: criteria provided, single submitter. Criteria: GeneDx Variant Classification (06012015). Collection method: clinical testing. Allele origin: germline. Affected: yes.
Comment: This variant is considered likely benign or benign based on one or more of the following criteria: it is a conservative change, it occurs at a poorly conserved position in the protein, it is predicted to be benign by multiple in silico algorithms, and/or has population frequency not consistent with disease.

NM_007078.3(LDB3):c.321+192G>C

Gene: LDB3 (LIM domain binding 3; plus strand). Cytogenetic location: 10q23.2.
Variant type: single nucleotide variant.
Coding change: c.321+192G>C on transcript NM_007078.3 (MANE Select); 192 bases into the intron after coding-DNA position 321, G replaced by C.
Molecular consequence: intron variant.
Genome position (GRCh38, 1-based): chr10:86,680,349, G>C. VCF-style: chr10-86680349-G-C. GRCh37 (hg19) VCF-style: chr10-88440106-G-C.
Other names: c.321+192G>C (NM_001368064.1, NM_001368063.1, NM_001368068.1 and 8 more transcripts).
Identifiers: ClinVar variation 674583 (VCV000674583.1), dbSNP rs45519132, ClinGen allele CA13163694.